The following is an entry in ClinVar:

NM_001374259.2(IL12RB2):c.2446G>A (p.Ala816Thr)

Gene: IL12RB2 (interleukin 12 receptor subunit beta 2; plus strand). Cytogenetic location: 1p31.3.
Variant type: single nucleotide variant.
Coding change: c.2446G>A on transcript NM_001374259.2 (MANE Select); coding-DNA position 2446, G replaced by A.
Protein change: p.Ala816Thr; replaces alanine 816 with threonine.
Molecular consequence: missense variant. On other transcripts: 3 prime UTR variant (3), non-coding transcript variant (2).
Genome position (GRCh38, 1-based): chr1:67,395,946, G>A. VCF-style: chr1-67395946-G-A. GRCh37 (hg19) VCF-style: chr1-67861629-G-A.
Other names: c.*366G>A (NM_001258214.1, NM_001319233.1); c.2188G>A, p.Ala730Thr (NM_001258215.1); c.*347G>A (NM_001258216.1); c.2446G>A, p.Ala816Thr (NM_001559.3); short protein forms A730T, A816T.
Identifiers: ClinVar variation 1395441 (VCV001395441.6), dbSNP rs143899990, ClinGen allele CA900728.
Genomic context (GRCh38, chr1:67,395,946, plus strand): 5'-ACCCATGATGGCTACTTACCCTCCAACATAGATGACCTCCCCTCACATGAGGCACCTCTC[G>A]CTGACTCTCTGGAAGAACTGGAGCCTCAGCACATCTCCCTTTCTGTTTTCCCCTCAAGTT-3'
Protein context (NP_001361188.1, residues 806-826): DDLPSHEAPL[Ala816Thr]DSLEELEPQH

ClinVar aggregate classification (germline): Uncertain significance (1 of 4 stars; one submission).

Allele frequency attached by ClinVar (database versions not stated): TOPMed 0.00005; gnomAD 0.00007; gnomAD exomes 0.00009 and 0.00010; ExAC 0.00012; ESP Exome Variant Server 0.00015; 1000 Genomes Project 30x 0.00016; 1000 Genomes Project 0.00020.
gnomAD v4.1: 139 of 1,611,926 alleles (0.0086%); highest among the groups gnomAD compares: Non-Finnish European, 0.011%; no homozygotes.

Submission:

Labcorp Genetics (formerly Invitae), Labcorp
Classification: Uncertain significance. Last evaluated: 2026-01-08. Review status: criteria provided, single submitter. Criteria: Invitae Variant Classification Sherloc (09022015). Collection method: clinical testing. Allele origin: germline.
Comment: This sequence change replaces alanine, which is neutral and non-polar, with threonine, which is neutral and polar, at codon 816 of the IL12RB2 protein (p.Ala816Thr). This variant is present in population databases (rs143899990, gnomAD 0.02%). This variant has not been reported in the literature in individuals affected with IL12RB2-related conditions. ClinVar contains an entry for this variant (Variation ID: 1395441). An algorithm developed to predict the effect of missense changes on protein structure and function outputs the following: PolyPhen-2: "Benign". The threonine amino acid residue is found in multiple mammalian species, which suggests that this missense change does not adversely affect protein function. In summary, the available evidence is currently insufficient to determine the role of this variant in disease. Therefore, it has been classified as a Variant of Uncertain Significance.